The following is an entry in ClinVar:

ClinVar aggregate classification (germline): Likely benign. Review status: criteria provided, multiple submitters, no conflicts (2 of 4 stars). 4 submissions from 4 submitters: Likely benign (4). Last evaluated 2025-09-24.

Conditions:
Familial cancer of breast. Also called: hereditary breast carcinoma; BREAST CANCER, FAMILIAL; Hereditary breast cancer. Identifiers: Orphanet 227535, MedGen C0346153, MONDO:0016419, OMIM 114480. Disease mechanism: loss of function.
Hereditary cancer-predisposing syndrome. Also called: Hereditary neoplastic syndrome; Hereditary Cancer Syndrome; Neoplastic Syndromes, Hereditary; Tumor predisposition. Identifiers: Orphanet 140162, MedGen C0027672, MeSH D009386, MONDO:0015356.

Submissions (4):

Labcorp Genetics (formerly Invitae), Labcorp
Classification: Likely benign for Familial cancer of breast. Last evaluated: 2025-09-24. Review status: criteria provided, single submitter. Criteria: Invitae Variant Classification Sherloc (09022015). Collection method: clinical testing. Allele origin: germline.

Color Diagnostics, LLC DBA Color Health
Classification: Likely benign for Hereditary cancer-predisposing syndrome. Last evaluated: 2024-08-07. Review status: criteria provided, single submitter. Criteria: ACMG Guidelines, 2015. Collection method: clinical testing. Allele origin: germline.

Myriad Genetics, Inc.
Classification: Likely benign for Familial cancer of breast. Last evaluated: 2024-07-25. Review status: criteria provided, single submitter. Criteria: Myriad Autosomal Dominant, Autosomal Recessive and X-Linked Classification Criteria (2023). Collection method: clinical testing. Allele origin: unknown.
Comment: This variant is considered likely benign. This variant is intronic and is not expected to impact mRNA splicing.

GeneDx
Classification: Likely benign. Last evaluated: 2017-05-26. Review status: criteria provided, single submitter. Criteria: GeneDx Variant Classification (06012015). Collection method: clinical testing. Allele origin: germline. Affected: yes.
Comment: This variant is considered likely benign or benign based on one or more of the following criteria: it is a conservative change, it occurs at a poorly conserved position in the protein, it is predicted to be benign by multiple in silico algorithms, and/or has population frequency not consistent with disease.

NM_000465.4(BARD1):c.1569-13C>T

Gene: BARD1 (BRCA1 associated RING domain 1; minus strand). Cytogenetic location: 2q35.
Variant type: single nucleotide variant.
Coding change: c.1569-13C>T on transcript NM_000465.4 (MANE Select); 13 bases into the intron before coding-DNA position 1569, C replaced by T.
Molecular consequence: intron variant.
Genome position (GRCh38, 1-based): chr2:214,752,568, G>A on the plus strand (C>T on the coding strand, the complement: BARD1 is on the minus strand). VCF-style: chr2-214752568-G-A. GRCh37 (hg19) VCF-style: chr2-215617292-G-A.
Other names: c.1569-13C>T (LRG_297t1); c.159-13C>T (NM_001282548.2); c.1512-13C>T (NM_001282543.2); c.216-13C>T (NM_001282545.2); c.365-22060C>T (NM_001282549.2).
Identifiers: ClinVar variation 509856 (VCV000509856.11), dbSNP rs587780018, ClinGen allele CA658796168.